The following is an entry in ClinVar:

ClinVar aggregate classification (germline): Likely benign (1 of 4 stars; one submission).

Conditions:
CARS2-related disorder. Also called: CARS2-related condition.

Submission:

PreventionGenetics, part of Exact Sciences
Classification: Likely benign for CARS2-related condition. Last evaluated: 2026-01-13. Review status: criteria provided, single submitter. Criteria: ACMG Guidelines, 2015. Collection method: clinical testing. Allele origin: germline.
Comment: This variant is classified as likely benign based on ACMG/AMP sequence variant interpretation guidelines (Richards et al. 2015 PMID: 25741868, with internal and published modifications).

NM_024537.4(CARS2):c.1461G>A (p.Val487=)

Gene: CARS2 (cysteinyl-tRNA synthetase 2, mitochondrial; minus strand). Cytogenetic location: 13q34.
Variant type: single nucleotide variant.
Coding change: c.1461G>A on transcript NM_024537.4 (MANE Select); coding-DNA position 1461, G replaced by A.
Protein change: p.Val487=; no amino-acid change (valine 487 retained).
Molecular consequence: synonymous variant. On other transcripts: non-coding transcript variant (2).
Genome position (GRCh38, 1-based): chr13:110,642,477, C>T on the plus strand (G>A on the coding strand, the complement: CARS2 is on the minus strand). VCF-style: chr13-110642477-C-T. GRCh37 (hg19) VCF-style: chr13-111294824-C-T.
Other names: c.675G>A, p.Val225= (NM_001352252.2).
Identifiers: ClinVar variation 4995749 (VCV004995749.1).